The following is an entry in ClinVar:

ClinVar aggregate classification (germline): Uncertain significance. Review status: criteria provided, multiple submitters, no conflicts (2 of 4 stars). 2 submissions from 2 submitters: Uncertain significance (2). Last evaluated 2025-12-22.

Conditions:
Inborn genetic diseases. Identifiers: MedGen C0950123, MeSH D030342.
Symmetrical dyschromatosis of extremities (DSH). Also called: Dyschromatosis symmetrica hereditaria; DYSCHROMATOSIS SYMMETRICA HEREDITARIA 1; RETICULATE ACROPIGMENTATION OF DOHI; SYMMETRIC DYSCHROMATOSIS OF THE EXTREMITIES. Identifiers: Orphanet 41, MedGen C0406775, MONDO:0007483, OMIM 127400.
Aicardi-Goutieres syndrome 6 (AGS6). Identifiers: Orphanet 51, MedGen C3539013, MONDO:0014007, OMIM 615010.

Allele frequency attached by ClinVar (database versions not stated): gnomAD exomes below 0.00001; gnomAD 0.00001; TOPMed 0.00001.
gnomAD v4.1: 2 of 1,614,032 alleles (0.00012%); highest among the groups gnomAD compares: Admixed American, 0.0033%; no homozygotes.

Submissions (2):

Ambry Genetics
Classification: Uncertain significance for Inborn genetic diseases. Last evaluated: 2025-12-22. Review status: criteria provided, single submitter. Criteria: Ambry Variant Classification Scheme 2023. Collection method: clinical testing. Allele origin: germline.

Labcorp Genetics (formerly Invitae), Labcorp
Classification: Uncertain significance for Aicardi-Goutieres syndrome 6; Symmetrical dyschromatosis of extremities. Last evaluated: 2025-12-16. Review status: criteria provided, single submitter. Criteria: Invitae Variant Classification Sherloc (09022015). Collection method: clinical testing. Allele origin: germline.
Comment: This sequence change replaces threonine, which is neutral and polar, with alanine, which is neutral and non-polar, at codon 725 of the ADAR protein (p.Thr725Ala). This variant is not present in population databases (gnomAD no frequency). This variant has not been reported in the literature in individuals affected with ADAR-related conditions. ClinVar contains an entry for this variant (Variation ID: 1346583). Invitae Evidence Modeling of protein sequence and biophysical properties (such as structural, functional, and spatial information, amino acid conservation, physicochemical variation, residue mobility, and thermodynamic stability) indicates that this missense variant is not expected to disrupt ADAR protein function with a negative predictive value of 80%. In summary, the available evidence is currently insufficient to determine the role of this variant in disease. Therefore, it has been classified as a Variant of Uncertain Significance.

NM_001111.5(ADAR):c.2173A>G (p.Thr725Ala)

Gene: ADAR (adenosine deaminase RNA specific; minus strand). Cytogenetic location: 1q21.3.
Variant type: single nucleotide variant.
Coding change: c.2173A>G on transcript NM_001111.5 (MANE Select); coding-DNA position 2173, A replaced by G.
Protein change: p.Thr725Ala; replaces threonine 725 with alanine.
Molecular consequence: missense variant.
Genome position (GRCh38, 1-based): chr1:154,596,902, T>C on the plus strand (A>G on the coding strand, the complement: ADAR is on the minus strand). VCF-style: chr1-154596902-T-C. GRCh37 (hg19) VCF-style: chr1-154569378-T-C.
Other names: c.2173A>G (NM_001111.4); c.1288A>G, p.Thr430Ala (NM_001025107.3, NM_001193495.2, NM_001365046.1 and 3 more transcripts); c.2200A>G, p.Thr734Ala (NM_001365045.1); c.2173A>G, p.Thr725Ala (NM_015840.4); c.2116A>G, p.Thr706Ala (NM_015841.4); short protein forms T430A, T706A, T725A, T734A.
Identifiers: ClinVar variation 1346583 (VCV001346583.7), dbSNP rs1697536698, ClinGen allele CA342637850.